The following is an entry in ClinVar:

ClinVar aggregate classification (germline): Conflicting classifications of pathogenicity. Review status: criteria provided, conflicting classifications (1 of 4 stars). 3 submissions from 3 submitters: Uncertain significance (1); Benign (1); Likely benign (1). Last evaluated 2025-11-27.

Allele frequency attached by ClinVar (database versions not stated): TOPMed 0.00001; gnomAD 0.00005; gnomAD exomes 0.00036; ExAC 0.00045; 1000 Genomes Project 30x 0.00047; 1000 Genomes Project 0.00060.
gnomAD v4.1: 221 of 1,614,230 alleles (0.014%); highest among the groups gnomAD compares: South Asian, 0.23%; 5 homozygotes.

Submissions (3):

Labcorp Genetics (formerly Invitae), Labcorp
Classification: Benign. Last evaluated: 2025-11-27. Review status: criteria provided, single submitter. Criteria: Invitae Variant Classification Sherloc (09022015). Collection method: clinical testing. Allele origin: germline.

Blueprint Genetics
Classification: Likely benign. Last evaluated: 2024-10-03. Review status: criteria provided, single submitter. Criteria: ACMG Guidelines, 2015. Collection method: clinical testing. Allele origin: germline.

GeneDx
Classification: Uncertain significance. Last evaluated: 2023-06-27. Review status: criteria provided, single submitter. Criteria: GeneDx Variant Classification Process June 2021. Collection method: clinical testing. Allele origin: germline. Affected: yes.
Comment: Identified in the heterozygous state in a patient with retinitis pigmentosa in the literature, although there was no familial segregation data (Sergouniotis et al., 2011); In silico analysis supports that this missense variant has a deleterious effect on protein structure/function; This variant is associated with the following publications: (PMID: 21763485, 35477418, 36717105)

NM_002242.4(KCNJ13):c.827A>C (p.Glu276Ala)

Genes: GIGYF2 (GRB10 interacting GYF protein 2; plus strand), KCNJ13 (potassium inwardly rectifying channel subfamily J member 13; minus strand). Cytogenetic location: 2q37.1.
Variant type: single nucleotide variant.
Coding change: c.827A>C on transcript NM_002242.4 (MANE Select); coding-DNA position 827, A replaced by C.
Protein change: p.Glu276Ala; replaces glutamic acid 276 with alanine.
Molecular consequence: missense variant. On other transcripts: 3 prime UTR variant (1), intron variant (4).
Genome position (GRCh38, 1-based): chr2:232,768,447, T>G on the plus strand (A>C on the coding strand, the complement: KCNJ13 is on the minus strand). VCF-style: chr2-232768447-T-G. GRCh37 (hg19) VCF-style: chr2-233633157-T-G.
Other names: c.*306A>C (NM_001172416.1); c.587A>C, p.Glu196Ala (NM_001172417.1); c.532+7011T>G (NM_001103146.3, NM_015575.4, NM_001103147.2 and 1 more transcripts); short protein forms E196A, E276A.
Identifiers: ClinVar variation 1169670 (VCV001169670.11), dbSNP rs374411396, ClinGen allele CA2169980.
Genomic context (GRCh38, chr2:232,768,447, plus strand): 5'-TGTAACATGATTTCAGACGGTAGGTAGGATGTCCTCCTTTGGCATATTTCTCCAGTGCCC[T>G]CCTGCATTGCTGAAAGGAATACAACTAATTCAAAGTGAGAAGGATTTTCATGCTGGAGCA-3'
Protein context (NP_002233.2, residues 266-286): ELVVFLSAMQ[Glu276Ala]GTGEICQRRT